The following is an entry in ClinVar:

ClinVar aggregate classification (germline): Benign (1 of 4 stars; one submission).

Allele frequency attached by ClinVar (database versions not stated): 1000 Genomes Project 0.31849; 1000 Genomes Project 30x 0.32370; gnomAD 0.22817 and 0.22848; TOPMed 0.24384.
gnomAD v4.1: 34,554 of 152,196 alleles (23%); highest among the groups gnomAD compares: African/African-American, 46%; 5,818 homozygotes.

Submission:

GeneDx
Classification: Benign. Last evaluated: 2018-06-19. Review status: criteria provided, single submitter. Criteria: GeneDx Variant Classification (06012015). Collection method: clinical testing. Allele origin: germline. Affected: yes.
Comment: This variant is considered likely benign or benign based on one or more of the following criteria: it is a conservative change, it occurs at a poorly conserved position in the protein, it is predicted to be benign by multiple in silico algorithms, and/or has population frequency not consistent with disease.

NM_000350.3(ABCA4):c.160+212G>T

Gene: ABCA4 (ATP binding cassette subfamily A member 4; minus strand). Cytogenetic location: 1p22.1.
Variant type: single nucleotide variant.
Coding change: c.160+212G>T on transcript NM_000350.3 (MANE Select); 212 bases into the intron after coding-DNA position 160, G replaced by T.
Molecular consequence: intron variant.
Genome position (GRCh38, 1-based): chr1:94,112,761, C>A on the plus strand (G>T on the coding strand, the complement: ABCA4 is on the minus strand). VCF-style: chr1-94112761-C-A. GRCh37 (hg19) VCF-style: chr1-94578317-C-A.
Identifiers: ClinVar variation 678754 (VCV000678754.1), dbSNP rs7524869, ClinGen allele CA10811201.
Genomic context (GRCh38, chr1:94,112,761, plus strand): 5'-AGGAGGATCACTTGAGCCCAAGAGATAGAAGCTGCAGTGTGCCATGGTCCTAACACTGTA[C>A]TCCAGCCTCGGCAACAGAGTGAGACCCTGTCTCTAAAGACTTTTTAAAAATTATAATTTG-3'